The following is an entry in ClinVar:

ClinVar aggregate classification (germline): Uncertain significance. Review status: criteria provided, multiple submitters, no conflicts (2 of 4 stars). 2 submissions from 2 submitters: Uncertain significance (2). Last evaluated 2025-03-08.

Conditions:
Epidermolytic hyperkeratosis 2A, autosomal dominant (EHK2A). Identifiers: MedGen C5882671, MONDO:0700248, OMIM 620150.
Congenital reticular ichthyosiform erythroderma (IWC). Also called: ICHTHYOSIS WITH CONFETTI. Identifiers: Orphanet 281190, MedGen C3665704, MONDO:0012208, OMIM 609165.
Ichthyosis, annular epidermolytic 1. Identifiers: MedGen CN324065, MONDO:0100303, OMIM 607602.
Ichthyosis hystrix gravior. Also called: Ichthyosis histrix, Lambert type. Identifiers: MedGen C0432311, MONDO:0007809, OMIM 146600.
Epidermolytic hyperkeratosis 2B, autosomal recessive (EHK2B). Identifiers: MedGen C5882753, MONDO:0700245, OMIM 620707.

Submissions (2):

Dasa
Classification: Uncertain significance. Last evaluated: 2025-03-08. Review status: criteria provided, single submitter. Criteria: DASA Assertion Criteria. Collection method: clinical testing. Allele origin: germline.
Comment: NM_000421.5(KRT10):c.1460_1461insGTTC (p.His487Glnfs*95) is a frameshift variant in KRT10 predicted to alter the reading frame and introduce a premature termination codon and is predicted to result in an absent or altered protein product. This variant is rare in population databases. The currently available literature and clinical evidence are not sufficient to establish a definitive association between this variant and the reported condition. Therefore, this variant is classified as a variant of uncertain significance.

Department of Pathology and Laboratory Medicine, Sinai Health System
Classification: Uncertain significance for Ichthyosis hystrix gravior; Ichthyosis, annular epidermolytic 1; Congenital reticular ichthyosiform erythroderma; Epidermolytic hyperkeratosis 2A, autosomal dominant; Epidermolytic hyperkeratosis 2B, autosomal recessive. Last evaluated: 2023-05-08. Review status: criteria provided, single submitter. Criteria: ACMG Guidelines, 2015. Collection method: research. Allele origin: germline.

NM_000421.5(KRT10):c.1460_1461insGTTC (p.His487fs)

Gene: KRT10 (keratin 10; minus strand). Cytogenetic location: 17q21.2.
Variant type: Insertion.
Coding change: c.1460_1461insGTTC on transcript NM_000421.5 (MANE Select); coding-DNA positions 1460 to 1461, GTTC inserted.
Protein change: p.His487fs; shifts the reading frame from histidine 487.
Molecular consequence: frameshift variant.
Genome position: GRCh38 VCF-style: chr17-40819074-G-GGAAC. GRCh37 (hg19) VCF-style: chr17-38975326-G-GGAAC.
Other names: c.1460_1461insGTTC, p.His487fs (NM_001379366.1); short protein forms H487fs.
Identifiers: ClinVar variation 3891519 (VCV003891519.3), dbSNP rs1491197463.